The following is an entry in ClinVar:

NM_002900.3(RBP3):c.2121G>A (p.Glu707=)

Gene: RBP3 (retinol binding protein 3; plus strand). Cytogenetic location: 10q11.22.
Variant type: single nucleotide variant.
Coding change: c.2121G>A on transcript NM_002900.3 (MANE Select); coding-DNA position 2121, G replaced by A.
Protein change: p.Glu707=; no amino-acid change (glutamic acid 707 retained).
Molecular consequence: synonymous variant.
Genome position (GRCh38, 1-based): chr10:47,350,605, G>A. VCF-style: chr10-47350605-G-A. GRCh37 (hg19) VCF-style: chr10-48388757-C-T.
Identifiers: ClinVar variation 299970 (VCV000299970.14), dbSNP rs886047017, ClinGen allele CA10631719.

ClinVar aggregate classification (germline): Conflicting classifications of pathogenicity. Review status: criteria provided, conflicting classifications (1 of 4 stars). 3 submissions from 3 submitters: Uncertain significance (1); Likely benign (1). 1 of the submissions does not count toward it. Last evaluated 2022-09-15.

Conditions:
Retinitis pigmentosa (RP). Identifiers: Orphanet 791, MedGen C0035334, MeSH D012174, MONDO:0019200, OMIM 268000. Inheritance: Autosomal dominant, autosomal recessive and X linked inheritance.
RBP3-related disorder. Also called: RBP3-related condition.

Allele frequency attached by ClinVar (database versions not stated): gnomAD 0.00001; gnomAD exomes 0.00001; TOPMed 0.00001.
gnomAD v4.1: 8 of 1,612,874 alleles (0.0005%); highest among the groups gnomAD compares: Non-Finnish European, 0.00068%; no homozygotes.

Submissions (3):

Labcorp Genetics (formerly Invitae), Labcorp
Classification: Likely benign. Last evaluated: 2022-09-15. Review status: criteria provided, single submitter. Criteria: Invitae Variant Classification Sherloc (09022015). Collection method: clinical testing. Allele origin: germline.

Illumina Laboratory Services, Illumina
Classification: Uncertain significance for Retinitis pigmentosa. Last evaluated: 2018-01-13. Review status: criteria provided, single submitter. Criteria: ICSL Variant Classification Criteria 13 December 2019. Collection method: clinical testing. Allele origin: germline.

PreventionGenetics, part of Exact Sciences
Classification: Likely benign for RBP3-related condition. Last evaluated: 2019-03-14. Review status: no assertion criteria provided. Collection method: clinical testing. Allele origin: germline. Not counted in ClinVar's aggregate classification.
Comment: This variant is classified as likely benign based on ACMG/AMP sequence variant interpretation guidelines (Richards et al. 2015 PMID: 25741868, with internal and published modifications).